The following is an entry in ClinVar:

ClinVar aggregate classification (germline): Uncertain significance. Review status: criteria provided, multiple submitters, no conflicts (2 of 4 stars). 3 submissions from 3 submitters: Uncertain significance (3). Last evaluated 2025-01-26.

Conditions:
Gastrointestinal stromal tumor. Also called: Gastrointestinal stromal tumor, somatic; Gastrointestinal stroma tumor. Identifiers: Orphanet 44890, MedGen C0238198, MeSH D046152, MONDO:0011719, OMIM 606764, HP:0100723.
Hereditary cancer-predisposing syndrome. Also called: Neoplastic Syndromes, Hereditary; Tumor predisposition; Hereditary Cancer Syndrome; Hereditary neoplastic syndrome. Identifiers: Orphanet 140162, MedGen C0027672, MeSH D009386, MONDO:0015356.

Submissions (3):

Ambry Genetics
Classification: Uncertain significance for Hereditary cancer-predisposing syndrome. Last evaluated: 2025-01-26. Review status: criteria provided, single submitter. Criteria: Ambry Variant Classification Scheme 2023. Collection method: clinical testing. Allele origin: germline.
Comment: The p.I363V variant (also known as c.1087A>G), located in coding exon 6 of the PDGFRA gene, results from an A to G substitution at nucleotide position 1087. The isoleucine at codon 363 is replaced by valine, an amino acid with highly similar properties. This amino acid position is conserved. In addition, this alteration is predicted to be tolerated by in silico analysis. Based on the available evidence, the clinical significance of this variant remains unclear.

GeneDx
Classification: Uncertain significance. Last evaluated: 2023-12-27. Review status: criteria provided, single submitter. Criteria: GeneDx Variant Classification Process June 2021. Collection method: clinical testing. Allele origin: germline. Affected: yes.
Comment: Not observed at significant frequency in large population cohorts (gnomAD); In silico analysis supports that this missense variant does not alter protein structure/function; Has not been previously published as pathogenic or benign to our knowledge

Labcorp Genetics (formerly Invitae), Labcorp
Classification: Uncertain significance for Gastrointestinal stromal tumor. Last evaluated: 2023-06-09. Review status: criteria provided, single submitter. Criteria: Invitae Variant Classification Sherloc (09022015). Collection method: clinical testing. Allele origin: germline.
Comment: In summary, the available evidence is currently insufficient to determine the role of this variant in disease. Therefore, it has been classified as a Variant of Uncertain Significance. Advanced modeling of protein sequence and biophysical properties (such as structural, functional, and spatial information, amino acid conservation, physicochemical variation, residue mobility, and thermodynamic stability) performed at Invitae indicates that this missense variant is not expected to disrupt PDGFRA protein function. This variant has not been reported in the literature in individuals affected with PDGFRA-related conditions. This variant is not present in population databases (gnomAD no frequency). This sequence change replaces isoleucine, which is neutral and non-polar, with valine, which is neutral and non-polar, at codon 363 of the PDGFRA protein (p.Ile363Val).

NM_006206.6(PDGFRA):c.1087A>G (p.Ile363Val)

Gene: PDGFRA (platelet derived growth factor receptor alpha; plus strand). Cytogenetic location: 4q12.
Variant type: single nucleotide variant.
Coding change: c.1087A>G on transcript NM_006206.6 (MANE Select); coding-DNA position 1087, A replaced by G.
Protein change: p.Ile363Val; replaces isoleucine 363 with valine.
Molecular consequence: missense variant.
Genome position (GRCh38, 1-based): chr4:54,267,707, A>G. VCF-style: chr4-54267707-A-G. GRCh37 (hg19) VCF-style: chr4-55133874-A-G.
Other names: c.1087A>G, p.Ile363Val (NM_001347827.2, NM_001347829.2); c.1162A>G, p.Ile388Val (NM_001347828.2); c.1126A>G, p.Ile376Val (NM_001347830.2); short protein forms I376V, I363V, I388V.
Identifiers: ClinVar variation 2705791 (VCV002705791.5), dbSNP rs750157633, ClinGen allele CA356891769.